The following is an entry in ClinVar:

ClinVar aggregate classification (germline): Uncertain significance (1 of 4 stars; one submission).

Conditions:
Lethal multiple pterygium syndrome (LMPS). Identifiers: Orphanet 33108, MedGen C1854678, MONDO:0009668, OMIM 253290.

Submission:

Labcorp Genetics (formerly Invitae), Labcorp
Classification: Uncertain significance for Lethal multiple pterygium syndrome. Last evaluated: 2020-02-15. Review status: criteria provided, single submitter. Criteria: Invitae Variant Classification Sherloc (09022015). Collection method: clinical testing. Allele origin: germline.
Comment: This sequence change replaces glutamic acid with glycine at codon 94 of the CHRND protein (p.Glu94Gly). The glutamic acid residue is moderately conserved and there is a moderate physicochemical difference between glutamic acid and glycine. This variant is not present in population databases (ExAC no frequency). This variant has not been reported in the literature in individuals with CHRND-related conditions. Algorithms developed to predict the effect of missense changes on protein structure and function are either unavailable or do not agree on the potential impact of this missense change (SIFT: "Deleterious"; PolyPhen-2: "Probably Damaging"; Align-GVGD: "Class C0"). In summary, the available evidence is currently insufficient to determine the role of this variant in disease. Therefore, it has been classified as a Variant of Uncertain Significance.

NM_000751.3(CHRND):c.281A>G (p.Glu94Gly)

Gene: CHRND (cholinergic receptor nicotinic delta subunit; plus strand). Cytogenetic location: 2q37.1.
Variant type: single nucleotide variant.
Coding change: c.281A>G on transcript NM_000751.3 (MANE Select); coding-DNA position 281, A replaced by G.
Protein change: p.Glu94Gly; replaces glutamic acid 94 with glycine.
Molecular consequence: missense variant.
Genome position (GRCh38, 1-based): chr2:232,528,299, A>G. VCF-style: chr2-232528299-A-G. GRCh37 (hg19) VCF-style: chr2-233393009-A-G.
Other names: c.236A>G, p.Glu79Gly (NM_001256657.2); c.10A>G, p.Asn4Asp (NM_001311195.2, NM_001311196.2); short protein forms E79G, E94G, N4D.
Identifiers: ClinVar variation 1022451 (VCV001022451.9), dbSNP rs1691557368, ClinGen allele CA350997459.